The following is an entry in ClinVar:

ClinVar aggregate classification (germline): Uncertain significance (1 of 4 stars; one submission).

gnomAD v4.1: 33 of 1,613,952 alleles (0.002%); highest among the groups gnomAD compares: South Asian, 0.024%; no homozygotes.

Submission:

Labcorp Genetics (formerly Invitae), Labcorp
Classification: Uncertain significance. Last evaluated: 2024-08-17. Review status: criteria provided, single submitter. Criteria: Invitae Variant Classification Sherloc (09022015). Collection method: clinical testing. Allele origin: germline.
Comment: This sequence change replaces isoleucine, which is neutral and non-polar, with valine, which is neutral and non-polar, at codon 1331 of the ATR protein (p.Ile1331Val). This variant is present in population databases (rs748613910, gnomAD 0.03%). This variant has not been reported in the literature in individuals affected with ATR-related conditions. An algorithm developed to predict the effect of missense changes on protein structure and function outputs the following: PolyPhen-2: "Benign". The valine amino acid residue is found in multiple mammalian species, which suggests that this missense change does not adversely affect protein function. In summary, the available evidence is currently insufficient to determine the role of this variant in disease. Therefore, it has been classified as a Variant of Uncertain Significance.

NM_001184.4(ATR):c.3991A>G (p.Ile1331Val)

Gene: ATR (ATR checkpoint kinase; minus strand). Cytogenetic location: 3q23.
Variant type: single nucleotide variant.
Coding change: c.3991A>G on transcript NM_001184.4 (MANE Select); coding-DNA position 3991, A replaced by G.
Protein change: p.Ile1331Val; replaces isoleucine 1331 with valine.
Molecular consequence: missense variant.
Genome position (GRCh38, 1-based): chr3:142,524,154, T>C on the plus strand (A>G on the coding strand, the complement: ATR is on the minus strand). VCF-style: chr3-142524154-T-C. GRCh37 (hg19) VCF-style: chr3-142242996-T-C.
Other names: c.3799A>G, p.Ile1267Val (NM_001354579.2); short protein forms I1267V, I1331V.
Identifiers: ClinVar variation 3622958 (VCV003622958.2).